The following is an entry in ClinVar:

NM_004168.4(SDHA):c.250G>A (p.Gly84Arg)

Gene: SDHA (succinate dehydrogenase complex flavoprotein subunit A; plus strand). Cytogenetic location: 5p15.33.
Variant type: single nucleotide variant.
Coding change: c.250G>A on transcript NM_004168.4 (MANE Select); coding-DNA position 250, G replaced by A.
Protein change: p.Gly84Arg; replaces glycine 84 with arginine.
Molecular consequence: missense variant.
Genome position (GRCh38, 1-based): chr5:224,459, G>A. VCF-style: chr5-224459-G-A. GRCh37 (hg19) VCF-style: chr5-224574-G-A.
Other names: c.250G>A (NM_004168.2); c.250G>A, p.Gly84Arg (NM_001294332.2, NM_001330758.2); short protein forms G84R.
Identifiers: ClinVar variation 1433464 (VCV001433464.7), dbSNP rs2126542993, ClinGen allele CA359008570.

ClinVar aggregate classification (germline): Uncertain significance. Review status: criteria provided, multiple submitters, no conflicts (2 of 4 stars). 2 submissions from 2 submitters: Uncertain significance (2). Last evaluated 2025-05-01.

Conditions:
Hereditary cancer-predisposing syndrome. Also called: Neoplastic Syndromes, Hereditary; Hereditary Cancer Syndrome; Hereditary neoplastic syndrome; Tumor predisposition. Identifiers: Orphanet 140162, MedGen C0027672, MeSH D009386, MONDO:0015356.
Mitochondrial complex II deficiency, nuclear type 1. Also called: SUCCINATE CoQ REDUCTASE DEFICIENCY. Identifiers: Orphanet 3208, MedGen C5700310, MONDO:0100294, OMIM 252011.
Pheochromocytoma/paraganglioma syndrome 5. Also called: Paragangliomas 5; SDHA-Related Hereditary Paraganglioma-Pheochromocytoma Syndrome. Identifiers: Orphanet 29072, MedGen C3279992, MONDO:0013602, OMIM 614165.

Allele frequency attached by ClinVar (database versions not stated): gnomAD exomes 0.00001.
gnomAD v4.1: 4 of 1,613,612 alleles (0.00025%); highest among the groups gnomAD compares: Non-Finnish European, 0.00034%; no homozygotes.

Submissions (2):

Ambry Genetics
Classification: Uncertain significance for Hereditary cancer-predisposing syndrome. Last evaluated: 2025-05-01. Review status: criteria provided, single submitter. Criteria: Ambry Variant Classification Scheme 2023. Collection method: clinical testing. Allele origin: germline.
Comment: The p.G84R variant (also known as c.250G>A), located in coding exon 3 of the SDHA gene, results from a G to A substitution at nucleotide position 250. The glycine at codon 84 is replaced by arginine, an amino acid with dissimilar properties. This amino acid position is conserved. In addition, this alteration is predicted to be deleterious by in silico analysis. Based on the available evidence, the clinical significance of this variant remains unclear.

Labcorp Genetics (formerly Invitae), Labcorp
Classification: Uncertain significance for Pheochromocytoma/paraganglioma syndrome 5; Mitochondrial complex II deficiency, nuclear type 1. Last evaluated: 2023-03-21. Review status: criteria provided, single submitter. Criteria: Invitae Variant Classification Sherloc (09022015). Collection method: clinical testing. Allele origin: germline.
Comment: ClinVar contains an entry for this variant (Variation ID: 1433464). This variant has not been reported in the literature in individuals affected with SDHA-related conditions. This variant is not present in population databases (gnomAD no frequency). This sequence change replaces glycine, which is neutral and non-polar, with arginine, which is basic and polar, at codon 84 of the SDHA protein (p.Gly84Arg). Advanced modeling of protein sequence and biophysical properties (such as structural, functional, and spatial information, amino acid conservation, physicochemical variation, residue mobility, and thermodynamic stability) has been performed at Invitae for this missense variant, however the output from this modeling did not meet the statistical confidence thresholds required to predict the impact of this variant on SDHA protein function. In summary, the available evidence is currently insufficient to determine the role of this variant in disease. Therefore, it has been classified as a Variant of Uncertain Significance.